The following is an entry in ClinVar:

NM_001385026.1(PEAK1):c.4599C>G (p.Ala1533=)

Gene: PEAK1 (pseudopodium enriched atypical kinase 1; minus strand). Cytogenetic location: 15q24.3.
Variant type: single nucleotide variant.
Coding change: c.4599C>G on transcript NM_001385026.1 (MANE Select); coding-DNA position 4599, C replaced by G.
Protein change: p.Ala1533=; no amino-acid change (alanine 1533 retained).
Molecular consequence: synonymous variant.
Genome position (GRCh38, 1-based): chr15:77,114,798, G>C on the plus strand (C>G on the coding strand, the complement: PEAK1 is on the minus strand). VCF-style: chr15-77114798-G-C. GRCh37 (hg19) VCF-style: chr15-77407140-G-C.
Other names: c.4599C>G, p.Ala1533= (NM_001387085.1, NM_001387086.1, NM_024776.5).
Identifiers: ClinVar variation 3052438 (VCV003052438.2), dbSNP rs370178924, ClinGen allele CA7676573.

ClinVar aggregate classification (germline): Likely benign (0 of 4 stars; one submission).

Conditions:
PEAK1-related disorder. Also called: PEAK1-related condition.

Allele frequency attached by ClinVar (database versions not stated): gnomAD exomes 0.00001; ExAC 0.00008; gnomAD 0.00017; TOPMed 0.00022; ESP Exome Variant Server 0.00025.
gnomAD v4.1: 38 of 1,613,100 alleles (0.0024%); highest among the groups gnomAD compares: African/African-American, 0.047%; no homozygotes.

Submission:

PreventionGenetics, part of Exact Sciences
Classification: Likely benign for PEAK1-related condition. Last evaluated: 2019-08-28. Review status: no assertion criteria provided. Collection method: clinical testing. Allele origin: germline.
Comment: This variant is classified as likely benign based on ACMG/AMP sequence variant interpretation guidelines (Richards et al. 2015 PMID: 25741868, with internal and published modifications).